The following is an entry in ClinVar:

NM_144670.6(A2ML1):c.1391G>A (p.Cys464Tyr)

Gene: A2ML1 (alpha-2-macroglobulin like 1; plus strand). Cytogenetic location: 12p13.31.
Variant type: single nucleotide variant.
Coding change: c.1391G>A on transcript NM_144670.6 (MANE Select); coding-DNA position 1391, G replaced by A.
Protein change: p.Cys464Tyr; replaces cysteine 464 with tyrosine.
Molecular consequence: missense variant.
Genome position (GRCh38, 1-based): chr12:8,843,276, G>A. VCF-style: chr12-8843276-G-A. GRCh37 (hg19) VCF-style: chr12-8995872-G-A.
Other names: c.1391G>A (NM_144670.3); short protein forms C464Y.
Identifiers: ClinVar variation 2996131 (VCV002996131.4), dbSNP rs1943552763, ClinGen allele CA383825126.

ClinVar aggregate classification (germline): Uncertain significance. Review status: criteria provided, multiple submitters, no conflicts (2 of 4 stars). 2 submissions from 2 submitters: Uncertain significance (2). Last evaluated 2025-12-24.

Allele frequency attached by ClinVar (database versions not stated): TOPMed below 0.00001; gnomAD exomes below 0.00001.
gnomAD v4.1: 3 of 1,614,216 alleles (0.00019%); highest among the groups gnomAD compares: Non-Finnish European, 0.00017%; no homozygotes.

Submissions (2):

Ambry Genetics
Classification: Uncertain significance. Last evaluated: 2025-12-24. Review status: criteria provided, single submitter. Criteria: Ambry Variant Classification Scheme 2023. Collection method: clinical testing. Allele origin: germline.
Comment: The p.C464Y variant (also known as c.1391G>A), located in coding exon 12 of the A2ML1 gene, results from a G to A substitution at nucleotide position 1391. The cysteine at codon 464 is replaced by tyrosine, an amino acid with highly dissimilar properties. This amino acid position is conserved. In addition, the in silico prediction for this alteration is inconclusive. Based on the available evidence, the clinical significance of this variant remains unclear.

Labcorp Genetics (formerly Invitae), Labcorp
Classification: Uncertain significance. Last evaluated: 2025-06-03. Review status: criteria provided, single submitter. Criteria: Invitae Variant Classification Sherloc (09022015). Collection method: clinical testing. Allele origin: germline.
Comment: This sequence change replaces cysteine, which is neutral and slightly polar, with tyrosine, which is neutral and polar, at codon 464 of the A2ML1 protein (p.Cys464Tyr). This variant is not present in population databases (gnomAD no frequency). This variant has not been reported in the literature in individuals affected with A2ML1-related conditions. ClinVar contains an entry for this variant (Variation ID: 2996131). An algorithm developed to predict the effect of missense changes on protein structure and function (PolyPhen-2) suggests that this variant is likely to be disruptive. In summary, the available evidence is currently insufficient to determine the role of this variant in disease. Therefore, it has been classified as a Variant of Uncertain Significance.